The following is an entry in ClinVar:

NM_002354.3(EPCAM):c.653A>T (p.Lys218Ile)

Gene: EPCAM (epithelial cell adhesion molecule; plus strand). Cytogenetic location: 2p21.
Variant type: single nucleotide variant.
Coding change: c.653A>T on transcript NM_002354.3 (MANE Select); coding-DNA position 653, A replaced by T.
Protein change: p.Lys218Ile; replaces lysine 218 with isoleucine.
Molecular consequence: missense variant.
Genome position (GRCh38, 1-based): chr2:47,379,050, A>T. VCF-style: chr2-47379050-A-T. GRCh37 (hg19) VCF-style: chr2-47606189-A-T.
Other names: short protein forms K218I.
Identifiers: ClinVar variation 3509151 (VCV003509151.2).

ClinVar aggregate classification (germline): Conflicting classifications of pathogenicity. Review status: criteria provided, conflicting classifications (1 of 4 stars). 2 submissions from 2 submitters: Uncertain significance (1); Likely benign (1). Last evaluated 2024-10-26.

Conditions:
Hereditary cancer-predisposing syndrome. Also called: Tumor predisposition; Neoplastic Syndromes, Hereditary; Hereditary Cancer Syndrome; Hereditary neoplastic syndrome. Identifiers: Orphanet 140162, MedGen C0027672, MeSH D009386, MONDO:0015356.

gnomAD v4.1: 1 of 1,512,554 alleles (0.000066%); highest among the groups gnomAD compares: Non-Finnish European, 0.000092%; no homozygotes.

Submissions (2):

Ambry Genetics
Classification: Uncertain significance for Hereditary cancer-predisposing syndrome. Last evaluated: 2024-10-26. Review status: criteria provided, single submitter. Criteria: Ambry Variant Classification Scheme 2023. Collection method: clinical testing. Allele origin: germline.
Comment: The p.K218I variant (also known as c.653A>T), located in coding exon 6 of the EPCAM gene, results from an A to T substitution at nucleotide position 653. The lysine at codon 218 is replaced by isoleucine, an amino acid with dissimilar properties. This amino acid position is conserved. In addition, the in silico prediction for this alteration is inconclusive. Based on the available evidence, the clinical significance of this variant remains unclear.

Blueprint Genetics
Classification: Likely benign. Last evaluated: 2019-05-28. Review status: criteria provided, single submitter. Criteria: ACMG Guidelines, 2015. Collection method: clinical testing. Allele origin: germline.